The following is an entry in ClinVar:

NM_020884.7(MYH7B):c.4660G>A (p.Ala1554Thr)

Gene: MYH7B (myosin heavy chain 7B; plus strand). Cytogenetic location: 20q11.22.
Variant type: single nucleotide variant.
Coding change: c.4660G>A on transcript NM_020884.7 (MANE Select); coding-DNA position 4660, G replaced by A.
Protein change: p.Ala1554Thr; replaces alanine 1554 with threonine.
Molecular consequence: missense variant.
Genome position (GRCh38, 1-based): chr20:34,999,690, G>A. VCF-style: chr20-34999690-G-A. GRCh37 (hg19) VCF-style: chr20-33587493-G-A.
Other names: short protein forms A1554T.
Identifiers: ClinVar variation 3349723 (VCV003349723.1).

ClinVar aggregate classification (germline): Uncertain significance (0 of 4 stars; one submission).

Conditions:
MYH7B-related disorder. Also called: MYH7B-related condition.

gnomAD v4.1: 2 of 1,613,392 alleles (0.00012%); highest among the groups gnomAD compares: Admixed American, 0.0033%; no homozygotes.

Submission:

PreventionGenetics, part of Exact Sciences
Classification: Uncertain significance for MYH7B-related condition. Last evaluated: 2024-08-07. Review status: no assertion criteria provided. Collection method: clinical testing. Allele origin: germline.
Comment: The MYH7B c.4786G>A variant is predicted to result in the amino acid substitution p.Ala1596Thr. To our knowledge, this variant has not been reported in the literature. This variant is reported in 0.0029% of alleles in individuals of Latino descent in gnomAD. At this time, the clinical significance of this variant is uncertain due to the absence of conclusive functional and genetic evidence.